The following is an entry in ClinVar:

NM_001395413.1(POR):c.263C>T (p.Thr88Met)

Gene: POR (cytochrome p450 oxidoreductase; plus strand). Cytogenetic location: 7q11.23.
Variant type: single nucleotide variant.
Coding change: c.263C>T on transcript NM_001395413.1 (MANE Select); coding-DNA position 263, C replaced by T.
Protein change: p.Thr88Met; replaces threonine 88 with methionine.
Molecular consequence: missense variant.
Genome position (GRCh38, 1-based): chr7:75,979,485, C>T. VCF-style: chr7-75979485-C-T. GRCh37 (hg19) VCF-style: chr7-75608803-C-T.
Other names: c.272C>T, p.Thr91Met (NM_000941.2, NM_000941.3); c.263C>T, p.Thr88Met (NM_001367562.3, NM_001382657.2, NM_001382658.3 and 2 more transcripts); c.317C>T, p.Thr106Met (NM_001382655.3); short protein forms T106M, T91M, T88M.
Identifiers: ClinVar variation 2082997 (VCV002082997.1), dbSNP rs562750402, ClinGen allele CA4303569.

ClinVar aggregate classification (germline): Uncertain significance (1 of 4 stars; one submission).

Conditions:
Congenital adrenal hyperplasia due to cytochrome P450 oxidoreductase deficiency. Also called: DISORDERED STEROIDOGENESIS DUE TO POR DEFICIENCY. Identifiers: Orphanet 95699, MedGen C1860042, MONDO:0013310, OMIM 613571.

Allele frequency attached by ClinVar (database versions not stated): gnomAD exomes 0.00001; ExAC 0.00003; TOPMed 0.00003; gnomAD 0.00008.

Submission:

Labcorp Genetics (formerly Invitae), Labcorp
Classification: Uncertain significance for Congenital adrenal hyperplasia due to cytochrome P450 oxidoreductase deficiency. Last evaluated: 2022-03-01. Review status: criteria provided, single submitter. Criteria: Invitae Variant Classification Sherloc (09022015). Collection method: clinical testing. Allele origin: germline.
Comment: This sequence change replaces threonine, which is neutral and polar, with methionine, which is neutral and non-polar, at codon 91 of the POR protein (p.Thr91Met). This variant is present in population databases (rs562750402, gnomAD 0.01%). This variant has not been reported in the literature in individuals affected with POR-related conditions. Algorithms developed to predict the effect of missense changes on protein structure and function (SIFT, PolyPhen-2, Align-GVGD) all suggest that this variant is likely to be disruptive. In summary, the available evidence is currently insufficient to determine the role of this variant in disease. Therefore, it has been classified as a Variant of Uncertain Significance.